The following is an entry in ClinVar:

NM_017841.4(SDHAF2):c.265T>C (p.Phe89Leu)

Gene: SDHAF2 (succinate dehydrogenase complex assembly factor 2; plus strand). Cytogenetic location: 11q12.2.
Variant type: single nucleotide variant.
Coding change: c.265T>C on transcript NM_017841.4 (MANE Select); coding-DNA position 265, T replaced by C.
Protein change: p.Phe89Leu; replaces phenylalanine 89 with leucine.
Molecular consequence: missense variant.
Genome position (GRCh38, 1-based): chr11:61,438,008, T>C. VCF-style: chr11-61438008-T-C. GRCh37 (hg19) VCF-style: chr11-61205480-T-C.
Other names: short protein forms F89L.
Identifiers: ClinVar variation 934226 (VCV000934226.12), dbSNP rs746968831, ClinGen allele CA058311.
Genomic context (GRCh38, chr11:61,438,008, plus strand): 5'-TTTTATTAGACACAGCCTTCTCAACCTCTTTTTCTTTTTTTCTTTCTTGTTTTTAGTCTT[T>C]TTGCTAAAGAACATCTGCAGCACATGACAGAAAAGCAGCTGAACCTCTATGACCGCCTGA-3'
Protein context (NP_060311.1, residues 79-99): MLENCILLSL[Phe89Leu]AKEHLQHMTE

ClinVar aggregate classification (germline): Uncertain significance. Review status: criteria provided, multiple submitters, no conflicts (2 of 4 stars). 4 submissions from 4 submitters: Uncertain significance (4). Last evaluated 2025-11-26.

Conditions:
Hereditary cancer-predisposing syndrome. Also called: Hereditary neoplastic syndrome; Hereditary Cancer Syndrome; Tumor predisposition; Neoplastic Syndromes, Hereditary. Identifiers: Orphanet 140162, MedGen C0027672, MeSH D009386, MONDO:0015356.
Hereditary pheochromocytoma and paraganglioma. Also called: Hereditary pheochromocytoma-paraganglioma; Hereditary Paraganglioma-Pheochromocytoma Syndromes; Hereditary paragangliomas and pheochromocytomas. Identifiers: Orphanet 29072, MedGen C4274332, MONDO:0017366.

Allele frequency attached by ClinVar (database versions not stated): TOPMed 0.00001; gnomAD exomes below 0.00001 and 0.00001; ExAC 0.00001; gnomAD 0.00001.

Submissions (4):

Labcorp Genetics (formerly Invitae), Labcorp
Classification: Uncertain significance for Hereditary pheochromocytoma and paraganglioma. Last evaluated: 2025-11-26. Review status: criteria provided, single submitter. Criteria: Invitae Variant Classification Sherloc (09022015). Collection method: clinical testing. Allele origin: germline.
Comment: This sequence change replaces phenylalanine, which is neutral and non-polar, with leucine, which is neutral and non-polar, at codon 89 of the SDHAF2 protein (p.Phe89Leu). The frequency data for this variant in the population databases is considered unreliable, as metrics indicate poor data quality at this position in the gnomAD database. This variant has not been reported in the literature in individuals affected with SDHAF2-related conditions. ClinVar contains an entry for this variant (Variation ID: 934226). An algorithm developed to predict the effect of missense changes on protein structure and function (PolyPhen-2) suggests that this variant is likely to be disruptive. In summary, the available evidence is currently insufficient to determine the role of this variant in disease. Therefore, it has been classified as a Variant of Uncertain Significance.

Quest Diagnostics Nichols Institute San Juan Capistrano
Classification: Uncertain significance. Last evaluated: 2025-03-11. Review status: criteria provided, single submitter. Criteria: Quest Diagnostics criteria. Collection method: clinical testing. Allele origin: unknown.
Comment: The SDHAF2 c.265T>C (p.Phe89Leu) variant has not been reported in individuals with SDHAF2-related conditions in the published literature. The frequency of this variant in the general population (Genome Aggregation Database) is uninformative in the assessment of its pathogenicity. Analysis of this variant using bioinformatics tools for the prediction of the effect of amino acid changes on protein structure and function yielded conflicting predictions that this variant is benign or damaging. Based on the available information, we are unable to determine the clinical significance of this variant.

Ambry Genetics
Classification: Uncertain significance for Hereditary cancer-predisposing syndrome. Last evaluated: 2024-01-05. Review status: criteria provided, single submitter. Criteria: Ambry Variant Classification Scheme 2023. Collection method: clinical testing. Allele origin: germline.
Comment: The p.F89L variant (also known as c.265T>C), located in coding exon 3 of the SDHAF2 gene, results from a T to C substitution at nucleotide position 265. The phenylalanine at codon 89 is replaced by leucine, an amino acid with highly similar properties. This amino acid position is highly conserved in available vertebrate species. In addition, this alteration is predicted to be deleterious by in silico analysis. Since supporting evidence is limited at this time, the clinical significance of this alteration remains unclear.

All of Us Research Program, National Institutes of Health
Classification: Uncertain significance for Hereditary pheochromocytoma and paraganglioma. Last evaluated: 2023-12-13. Review status: criteria provided, single submitter. Criteria: ACMG Guidelines, 2015. Collection method: clinical testing. Allele origin: germline. Inheritance: Autosomal dominant inheritance. Observed: 1 variant allele, 1 heterozygote.
Comment: This missense variant replaces phenylalanine with leucine at codon 89 of the SDHAF2 protein. Computational prediction suggests that this variant may have deleterious impact on protein structure and function (internally defined REVEL score threshold >= 0.7, PMID: 27666373). To our knowledge, functional studies have not been reported for this variant. This variant has not been reported in individuals affected with SDHAF2-related disorders in the literature. This variant has been identified in 2/251392 chromosomes in the general population by the Genome Aggregation Database (gnomAD). The available evidence is insufficient to determine the role of this variant in disease conclusively. Therefore, this variant is classified as a Variant of Uncertain Significance.

This study involves interpretation of variants in research participants for the purpose of population health screening. Participant phenotype was not available at the time of variant classification. Additional details can be found in publication PMID: 35346344, PMCID: PMC8962531